The following is an entry in ClinVar:

NM_014714.4(IFT140):c.998G>A (p.Cys333Tyr)

Genes: IFT140 (intraflagellar transport 140; minus strand), LOC105371046 (uncharacterized LOC105371046; plus strand). Cytogenetic location: 16p13.3.
Variant type: single nucleotide variant.
Coding change: c.998G>A on transcript NM_014714.4 (MANE Select); coding-DNA position 998, G replaced by A.
Protein change: p.Cys333Tyr; replaces cysteine 333 with tyrosine.
Molecular consequence: missense variant.
Genome position (GRCh38, 1-based): chr16:1,587,209, C>T on the plus strand (G>A on the coding strand, the complement: IFT140 is on the minus strand). VCF-style: chr16-1587209-C-T. GRCh37 (hg19) VCF-style: chr16-1637210-C-T.
Other names: short protein forms C333Y.
Identifiers: ClinVar variation 438181 (VCV000438181.6), dbSNP rs773372123, ClinGen allele CA7814480.

ClinVar aggregate classification (germline): Pathogenic. Review status: criteria provided, multiple submitters, no conflicts (2 of 4 stars). 4 submissions from 4 submitters: Pathogenic (3). 1 of the submissions does not count toward it. Last evaluated 2025-10-27.

Conditions:
Saldino-Mainzer syndrome (SRTD9). Also called: short-rib thoracic dysplasia 9 with or without polydactyly; CONORENAL SYNDROME; SHORT-RIB THORACIC DYSPLASIA 9 WITHOUT POLYDACTYLY; Renal dysplasia, retinal pigmentary dystrophy, cerebellar ataxia and skeletal dysplasia. Identifiers: Orphanet 140969, MedGen C1849437, MONDO:0009964, OMIM 266920.
Retinitis pigmentosa (RP). Identifiers: Orphanet 791, MedGen C0035334, MeSH D012174, MONDO:0019200, OMIM 268000. Inheritance: Autosomal dominant, autosomal recessive and X linked inheritance.

Allele frequency attached by ClinVar (database versions not stated): gnomAD exomes 0.00001 and 0.00002; ExAC 0.00002.
gnomAD v4.1: 7 of 1,606,196 alleles (0.00044%); highest among the groups gnomAD compares: South Asian, 0.0077%; no homozygotes.

Submissions (4):

Women's Health and Genetics/Laboratory Corporation of America, LabCorp
Classification: Pathogenic for Retinitis pigmentosa. Last evaluated: 2025-10-27. Review status: criteria provided, single submitter. Criteria: LabCorp Variant Classification Summary - May 2015. Collection method: clinical testing. Allele origin: germline.
Comment: Variant summary: IFT140 c.998G>A (p.Cys333Tyr) results in a non-conservative amino acid change in the encoded protein sequence. Algorithms developed to predict the effect of missense changes on protein structure and function are either unavailable or do not agree on the potential impact of this missense change. The variant allele was found at a frequency of 2e-05 in 251316 control chromosomes (gnomAD). c.998G>A has been observed in multiple individuals affected with Retinitis Pigmentosa (e.g., Hull_2016). These data indicate that the variant is very likely to be associated with disease. The following publication has been ascertained in the context of this evaluation (PMID: 26968735). ClinVar contains an entry for this variant (Variation ID: 438181). Based on the evidence outlined above, the variant was classified as pathogenic.

Labcorp Genetics (formerly Invitae), Labcorp
Classification: Pathogenic for Saldino-Mainzer syndrome. Last evaluated: 2025-04-16. Review status: criteria provided, single submitter. Criteria: Invitae Variant Classification Sherloc (09022015). Collection method: clinical testing. Allele origin: germline.
Comment: This sequence change replaces cysteine, which is neutral and slightly polar, with tyrosine, which is neutral and polar, at codon 333 of the IFT140 protein (p.Cys333Tyr). This variant is present in population databases (rs773372123, gnomAD 0.02%). This missense change has been observed in individuals with retinitis pigmentosa (PMID: 26968735). It has also been observed to segregate with disease in related individuals. ClinVar contains an entry for this variant (Variation ID: 438181). Invitae Evidence Modeling of protein sequence and biophysical properties (such as structural, functional, and spatial information, amino acid conservation, physicochemical variation, residue mobility, and thermodynamic stability) has been performed for this missense variant. However, the output from this modeling did not meet the statistical confidence thresholds required to predict the impact of this variant on IFT140 protein function. This variant disrupts the p.Cys333 amino acid residue in IFT140. Other variant(s) that disrupt this residue have been observed in individuals with IFT140-related conditions (internal data), which suggests that this may be a clinically significant amino acid residue. For these reasons, this variant has been classified as Pathogenic.

Centre for Genomic Medicine, Manchester, Central Manchester University Hospitals
Classification: Pathogenic for Saldino-Mainzer syndrome. Last evaluated: 2019-02-01. Review status: criteria provided, single submitter. Criteria: ACMG Guidelines, 2015. Collection method: clinical testing. Allele origin: germline. Affected: yes. Observed: 1 variant allele, 1 homozygote.

NIHR Bioresource Rare Diseases, University of Cambridge
Classification: Likely pathogenic for Retinitis pigmentosa. Last evaluated: 2015-01-01. Review status: no assertion criteria provided. Collection method: research. Allele origin: unknown. Affected: yes. Observed: 1 variant allele. Not counted in ClinVar's aggregate classification.

Literature cited by the submitters: PubMed 26968735 (cited by Women's Health and Genetics/Laboratory Corporation of America, LabCorp and Labcorp Genetics (formerly Invitae), Labcorp); PubMed 28041643 (cited by NIHR Bioresource Rare Diseases, University of Cambridge).